The following is an entry in ClinVar:

NM_001001557.4(GDF6):c.478G>T (p.Glu160Ter)

Gene: GDF6 (growth differentiation factor 6; minus strand). Cytogenetic location: 8q22.1.
Variant type: single nucleotide variant.
Coding change: c.478G>T on transcript NM_001001557.4 (MANE Select); coding-DNA position 478, G replaced by T.
Protein change: p.Glu160Ter; replaces glutamic acid 160 with a stop codon.
Molecular consequence: nonsense.
Genome position (GRCh38, 1-based): chr8:96,145,453, C>A on the plus strand (G>T on the coding strand, the complement: GDF6 is on the minus strand). VCF-style: chr8-96145453-C-A. GRCh37 (hg19) VCF-style: chr8-97157681-C-A.
Other names: short protein forms E160*.
Identifiers: ClinVar variation 3377439 (VCV003377439.1).

ClinVar aggregate classification (germline): Uncertain significance (1 of 4 stars; one submission).

Conditions:
Klippel-Feil syndrome 1, autosomal dominant (KFS1). Also called: CERVICAL VERTEBRAL FUSION, AUTOSOMAL DOMINANT. Identifiers: Orphanet 2345, MedGen C1861689, MONDO:0007306, OMIM 118100.

Submission:

Victorian Clinical Genetics Services, Murdoch Childrens Research Institute
Classification: Uncertain significance for Klippel-Feil syndrome 1, autosomal dominant. Last evaluated: 2019-08-28. Review status: criteria provided, single submitter. Criteria: ACMG Guidelines, 2015. Collection method: clinical testing. Allele origin: germline. Affected: yes.
Comment: A heterozygous nonsense variant, NM_001001557.3(GDF6):c.478G>T, has been identified in exon 2 of 2 of the GDF6 gene. This variant is predicted to result in a premature stop codon at position 160 of the protein (NP_001001557.1(GDF6):p.(Glu160*)). This variant is predicted to result in aberrant protein function through truncation (including part of the TGFb propeptide domain and all of TGF_beta domain). The variant is absent from the gnomAD population database and has not been previously reported in clinical cases. Based on the information available at the time of curation, this variant has been classified as a VUS.